The following is an entry in ClinVar:

ClinVar aggregate classification (germline): Uncertain significance (1 of 4 stars; one submission).

Conditions:
Hereditary sensory neuropathy-deafness-dementia syndrome. Also called: Hereditary sensory neuropathy type IE; HSN IE; NEUROPATHY, HEREDITARY SENSORY, WITH HEARING LOSS AND DEMENTIA; Hereditary Sensory and Autonomic Neuropathy Type 1E (HSAN1E). Identifiers: Orphanet 456318, MedGen C3279885, MONDO:0013584, OMIM 614116.

Allele frequency attached by ClinVar (database versions not stated): ExAC 0.00001; gnomAD 0.00001.
gnomAD v4.1: 9 of 1,614,050 alleles (0.00056%); highest among the groups gnomAD compares: South Asian, 0.0011%; no homozygotes.

Submission:

Labcorp Genetics (formerly Invitae), Labcorp
Classification: Uncertain significance for Hereditary sensory neuropathy-deafness-dementia syndrome. Last evaluated: 2025-08-04. Review status: criteria provided, single submitter. Criteria: Invitae Variant Classification Sherloc (09022015). Collection method: clinical testing. Allele origin: germline.
Comment: This sequence change replaces arginine, which is basic and polar, with cysteine, which is neutral and slightly polar, at codon 666 of the DNMT1 protein (p.Arg666Cys). This variant is present in population databases (rs761410935, gnomAD 0.003%). This variant has not been reported in the literature in individuals affected with DNMT1-related conditions. ClinVar contains an entry for this variant (Variation ID: 2982402). Invitae Evidence Modeling of protein sequence and biophysical properties (such as structural, functional, and spatial information, amino acid conservation, physicochemical variation, residue mobility, and thermodynamic stability) indicates that this missense variant is expected to disrupt DNMT1 protein function with a positive predictive value of 80%. In summary, the available evidence is currently insufficient to determine the role of this variant in disease. Therefore, it has been classified as a Variant of Uncertain Significance.

NM_001130823.3(DNMT1):c.1996C>T (p.Arg666Cys)

Gene: DNMT1 (DNA methyltransferase 1; minus strand). Cytogenetic location: 19p13.2.
Variant type: single nucleotide variant.
Coding change: c.1996C>T on transcript NM_001130823.3 (MANE Select); coding-DNA position 1996, C replaced by T.
Protein change: p.Arg666Cys; replaces arginine 666 with cysteine.
Molecular consequence: missense variant.
Genome position (GRCh38, 1-based): chr19:10,154,316, G>A on the plus strand (C>T on the coding strand, the complement: DNMT1 is on the minus strand). VCF-style: chr19-10154316-G-A. GRCh37 (hg19) VCF-style: chr19-10264992-G-A.
Other names: c.1948C>T, p.Arg650Cys (NM_001318730.2, NM_001379.4); c.1633C>T, p.Arg545Cys (NM_001318731.2); short protein forms R545C, R650C, R666C.
Identifiers: ClinVar variation 2982402 (VCV002982402.3), dbSNP rs761410935, ClinGen allele CA9188157.